The following is an entry in ClinVar:

ClinVar aggregate classification (germline): Uncertain significance (1 of 4 stars; one submission).

Allele frequency attached by ClinVar (database versions not stated): ExAC 0.00001; gnomAD 0.00001; gnomAD exomes 0.00001.
gnomAD v4.1: 18 of 1,610,478 alleles (0.0011%); highest among the groups gnomAD compares: Non-Finnish European, 0.0015%; no homozygotes.

Submission:

Labcorp Genetics (formerly Invitae), Labcorp
Classification: Uncertain significance. Last evaluated: 2025-12-03. Review status: criteria provided, single submitter. Criteria: Invitae Variant Classification Sherloc (09022015). Collection method: clinical testing. Allele origin: germline.
Comment: This sequence change replaces glutamic acid, which is acidic and polar, with lysine, which is basic and polar, at codon 711 of the TNNI3K protein (p.Glu711Lys). The frequency data for this variant in the population databases is considered unreliable, as metrics indicate poor data quality at this position in the gnomAD database. This variant has not been reported in the literature in individuals affected with TNNI3K-related conditions. ClinVar contains an entry for this variant (Variation ID: 1365064). An algorithm developed to predict the effect of missense changes on protein structure and function outputs the following: PolyPhen-2: "Benign". The lysine amino acid residue is found in multiple mammalian species, which suggests that this missense change does not adversely affect protein function. In summary, the available evidence is currently insufficient to determine the role of this variant in disease. Therefore, it has been classified as a Variant of Uncertain Significance.

NM_015978.3(TNNI3K):c.2131G>A (p.Glu711Lys)

Genes: FPGT-TNNI3K (FPGT-TNNI3K readthrough; plus strand), LRRC53 (leucine rich repeat containing 53; minus strand), TNNI3K (TNNI3 interacting kinase; plus strand). Cytogenetic location: 1p31.1.
Variant type: single nucleotide variant.
Coding change: c.2131G>A on transcript NM_015978.3 (MANE Select); coding-DNA position 2131, G replaced by A.
Protein change: p.Glu711Lys; replaces glutamic acid 711 with lysine.
Molecular consequence: missense variant. On other transcripts: intron variant (2).
Genome position (GRCh38, 1-based): chr1:74,489,198, G>A. VCF-style: chr1-74489198-G-A. GRCh37 (hg19) VCF-style: chr1-74954882-G-A.
Other names: c.2434G>A, p.Glu812Lys (NM_001112808.3); c.-8-8230C>T (NM_001364666.2); c.-26-5823C>T (NM_001382280.1); short protein forms E812K, E711K.
Identifiers: ClinVar variation 1365064 (VCV001365064.8), dbSNP rs775150515, ClinGen allele CA909789.